The following is an entry in ClinVar:

NM_015340.4(LARS2):c.1520C>G (p.Pro507Arg)

Genes: LARS2 (leucyl-tRNA synthetase 2, mitochondrial; plus strand), LARS2-AS1 (LARS2 antisense RNA 1; minus strand). Cytogenetic location: 3p21.31.
Variant type: single nucleotide variant.
Coding change: c.1520C>G on transcript NM_015340.4 (MANE Select); coding-DNA position 1520, C replaced by G.
Protein change: p.Pro507Arg; replaces proline 507 with arginine.
Molecular consequence: missense variant.
Genome position (GRCh38, 1-based): chr3:45,491,797, C>G. VCF-style: chr3-45491797-C-G. GRCh37 (hg19) VCF-style: chr3-45533289-C-G.
Other names: c.1520C>G, p.Pro507Arg (NM_001368263.1); short protein forms P507R.
Identifiers: ClinVar variation 517248 (VCV000517248.5), dbSNP rs1553635112, ClinGen allele CA352426402.
Genomic context (GRCh38, chr3:45,491,797, plus strand): 5'-TCACTGGCAAGGGAGGCCCCCCACTGGCCATGGCTTCAGAGTGGGTGAACTGCTCCTGCC[C>G]AAGGTAAGGAGCCACATCCCTGCAGTGGTGACTGTGCCTATGGCCCCATACCTGCTAGGG-3'
Protein context (NP_056155.1, residues 497-517): MASEWVNCSC[Pro507Arg]RCKGAAKRET

ClinVar aggregate classification (germline): Conflicting classifications of pathogenicity. Review status: criteria provided, conflicting classifications (1 of 4 stars). 2 submissions from 2 submitters: Likely pathogenic (1); Uncertain significance (1). Last evaluated 2024-05-23.

Conditions:
Rare genetic deafness. Identifiers: Orphanet 96210, MedGen C5680250.

Allele frequency attached by ClinVar (database versions not stated): TOPMed below 0.00001; gnomAD 0.00001; gnomAD exomes 0.00001.
gnomAD v4.1: 7 of 1,613,098 alleles (0.00043%); highest among the groups gnomAD compares: Non-Finnish European, 0.00059%; no homozygotes.

Submissions (2):

Blueprint Genetics
Classification: Uncertain significance. Last evaluated: 2024-05-23. Review status: criteria provided, single submitter. Criteria: ACMG Guidelines, 2015. Collection method: clinical testing. Allele origin: germline.

Laboratory for Molecular Medicine, Mass General Brigham Personalized Medicine
Classification: Likely pathogenic for Rare genetic deafness. Last evaluated: 2017-06-22. Review status: criteria provided, single submitter. Criteria: LMM Criteria. Collection method: clinical testing. Allele origin: germline. Inheritance: Autosomal recessive inheritance. Observed: 3 variant alleles.
Comment: The variant was absent from large population studies. In a ddition, computational prediction tools and conservation analysis suggest the va riant may impact the protein. In summary, although additional studies are requir ed to fully establish its clinical significance, the p.Pro507Arg variant is like ly pathogenic.